The following is an entry in ClinVar:

ClinVar aggregate classification (germline): Uncertain significance (1 of 4 stars; one submission).

Conditions:
Early Myoclonic Encephalopathy. Identifiers: MedGen C0270855.

Allele frequency attached by ClinVar (database versions not stated): gnomAD exomes below 0.00001 and 0.00001; TOPMed below 0.00001; ExAC 0.00002.

Submission:

Labcorp Genetics (formerly Invitae), Labcorp
Classification: Uncertain significance for Early Myoclonic Encephalopathy. Last evaluated: 2025-05-02. Review status: criteria provided, single submitter. Criteria: Invitae Variant Classification Sherloc (09022015). Collection method: clinical testing. Allele origin: germline.
Comment: This sequence change replaces histidine, which is basic and polar, with arginine, which is basic and polar, at codon 212 of the JMJD1C protein (p.His212Arg). This variant is present in population databases (rs761317571, gnomAD 0.007%). This variant has not been reported in the literature in individuals affected with JMJD1C-related conditions. ClinVar contains an entry for this variant (Variation ID: 1024439). An algorithm developed to predict the effect of missense changes on protein structure and function (PolyPhen-2) suggests that this variant is likely to be disruptive. In summary, the available evidence is currently insufficient to determine the role of this variant in disease. Therefore, it has been classified as a Variant of Uncertain Significance.

NM_032776.3(JMJD1C):c.635A>G (p.His212Arg)

Gene: JMJD1C (jumonji domain containing 1C; minus strand). Cytogenetic location: 10q21.3.
Variant type: single nucleotide variant.
Coding change: c.635A>G on transcript NM_032776.3 (MANE Select); coding-DNA position 635, A replaced by G.
Protein change: p.His212Arg; replaces histidine 212 with arginine.
Molecular consequence: missense variant. On other transcripts: 5 prime UTR variant (3), non-coding transcript variant (1).
Genome position (GRCh38, 1-based): chr10:63,217,250, T>C on the plus strand (A>G on the coding strand, the complement: JMJD1C is on the minus strand). VCF-style: chr10-63217250-T-C. GRCh37 (hg19) VCF-style: chr10-64977010-T-C.
Other names: c.89A>G, p.His30Arg (NM_001282948.2, NM_001318154.2); c.-234A>G (NM_001318153.2); c.521A>G, p.His174Arg (NM_001322252.2); c.-23A>G (NM_001322254.2, NM_001322258.2); short protein forms H174R, H212R, H30R.
Identifiers: ClinVar variation 1024439 (VCV001024439.5), dbSNP rs761317571, ClinGen allele CA5518995.
Genomic context (GRCh38, chr10:63,217,250, plus strand): 5'-TTAGTGGAACTATTTACCTGATCATTCATAACGATCATGGTGCGGGTGAAGAGATCATGA[T>C]GAGTAATTATGCCAGTAAACCACTGGGTGGCAGAGTCTTGTCTATATACTCTCACTCTGT-3'
Protein context (NP_116165.1, residues 202-222): ATQWFTGIIT[His212Arg]HDLFTRTMIV